The following is an entry in ClinVar:

NM_000404.4(GLB1):c.1824G>C (p.Leu608=)

Gene: GLB1 (galactosidase beta 1; minus strand). Cytogenetic location: 3p22.3.
Variant type: single nucleotide variant.
Coding change: c.1824G>C on transcript NM_000404.4 (MANE Select); coding-DNA position 1824, G replaced by C.
Protein change: p.Leu608=; no amino-acid change (leucine 608 retained).
Molecular consequence: synonymous variant. On other transcripts: intron variant (1).
Genome position (GRCh38, 1-based): chr3:32,997,255, C>G on the plus strand (G>C on the coding strand, the complement: GLB1 is on the minus strand). VCF-style: chr3-32997255-C-G. GRCh37 (hg19) VCF-style: chr3-33038747-C-G.
Other names: c.1734G>C, p.Leu578= (NM_001079811.3); c.1431G>C, p.Leu477= (NM_001135602.3); c.1968G>C, p.Leu656= (NM_001317040.2); c.1734+16801G>C (NM_001393580.1).
Identifiers: ClinVar variation 92902 (VCV000092902.23), dbSNP rs77226678, ClinGen allele CA146075.

ClinVar aggregate classification (germline): Benign/Likely benign. Review status: criteria provided, multiple submitters, no conflicts (2 of 4 stars). 11 submissions from 9 submitters: Benign (9); Likely benign (1). 1 of the submissions does not count toward it. Last evaluated 2026-02-04.

Conditions:
Mucopolysaccharidosis, MPS-IV-B (MPS4B). Also called: Mucopolysaccharidosis type 4B; Mucopolysaccharidosis type IV B; Mucopolysaccharidosis type IVB (Morquio); Mucopolysaccharidosis Type IVB (Morquio B Disease); MPS IVB; MORQUIO SYNDROME B. Identifiers: Orphanet 309310, Orphanet 582, MedGen C0086652, MONDO:0009660, OMIM 253010.
Infantile GM1 gangliosidosis. Also called: Gangliosidosis, Generalized GM1, Type 1; GM1 gangliosidosis type 1; GM1-gangliosidosis, type I; Gangliosidosis, generalized GM1, infantile form; GLB1 deficiency. Identifiers: Orphanet 354, Orphanet 79255, MedGen C0268271, MONDO:0009260, OMIM 230500.
GM1 gangliosidosis. Identifiers: Orphanet 354, MedGen C0085131, MONDO:0018149.

Allele frequency attached by ClinVar (database versions not stated): ESP Exome Variant Server 0.00334; gnomAD 0.01441 and 0.02195; gnomAD exomes 0.01958 and 0.04582; TOPMed 0.01976; ExAC 0.04627; 1000 Genomes Project 30x 0.10087; 1000 Genomes Project 0.10942.
gnomAD v4.1: 32,533 of 1,614,126 alleles (2%); highest among the groups gnomAD compares: East Asian, 41%; 4,368 homozygotes.

Submissions (11):

Labcorp Genetics (formerly Invitae), Labcorp
Classification: Benign for Mucopolysaccharidosis, MPS-IV-B; GM1 gangliosidosis. Last evaluated: 2026-02-04. Review status: criteria provided, single submitter. Criteria: Invitae Variant Classification Sherloc (09022015). Collection method: clinical testing. Allele origin: germline.

Blueprint Genetics
Classification: Likely benign. Last evaluated: 2024-11-26. Review status: criteria provided, single submitter. Criteria: ACMG Guidelines, 2015. Collection method: clinical testing. Allele origin: germline.

Pars Genome Lab
Classification: Benign for Infantile GM1 gangliosidosis. Last evaluated: 2021-06-15. Review status: criteria provided, single submitter. Criteria: ACMG Guidelines, 2015. Collection method: clinical testing. Allele origin: germline. Affected: no.

Pars Genome Lab
Classification: Benign for Mucopolysaccharidosis, MPS-IV-B. Last evaluated: 2021-06-15. Review status: criteria provided, single submitter. Criteria: ACMG Guidelines, 2015. Collection method: clinical testing. Allele origin: germline. Affected: no.

Illumina Laboratory Services, Illumina
Classification: Benign for GM1 gangliosidosis. Last evaluated: 2018-01-13. Review status: criteria provided, single submitter. Criteria: ICSL Variant Classification Criteria 13 December 2019. Collection method: clinical testing. Allele origin: germline.
Comment: This variant was observed in the ICSL laboratory as part of a predisposition screen in an ostensibly healthy population. It had not been previously curated by ICSL or reported in the Human Gene Mutation Database (HGMD: prior to June 1st, 2018), and was therefore a candidate for classification through an automated scoring system. Utilizing variant allele frequency, disease prevalence and penetrance estimates, and inheritance mode, an automated score was calculated to assess if this variant is too frequent to cause the disease. Based on the score and internal cut-off values, a variant classified as benign is not then subjected to further curation. The score for this variant resulted in a classification of benign for this disease.

Illumina Laboratory Services, Illumina
Classification: Benign for Mucopolysaccharidosis, MPS-IV-B. Last evaluated: 2018-01-13. Review status: criteria provided, single submitter. Criteria: ICSL Variant Classification Criteria 13 December 2019. Collection method: clinical testing. Allele origin: germline.
Comment: the same text as in the submission from Illumina Laboratory Services, Illumina above.

GeneDx
Classification: Benign. Last evaluated: 2015-03-03. Review status: criteria provided, single submitter. Criteria: GeneDx Variant Classification Process June 2021. Collection method: clinical testing. Allele origin: germline. Affected: yes.

Eurofins Ntd Llc (ga)
Classification: Benign. Last evaluated: 2013-09-04. Review status: criteria provided, single submitter. Criteria: EGL Classification Definitions 2015. Collection method: clinical testing. Allele origin: germline. Observed: 9 variant alleles, 5 heterozygotes, 4 homozygotes.

Breakthrough Genomics
Classification: Benign. Review status: criteria provided, single submitter. Criteria: ACMG Guidelines, 2015. Collection method: not provided. Allele origin: germline. Inheritance: Autosomal recessive inheritance. Affected: yes.

PreventionGenetics, part of Exact Sciences
Classification: Benign. Review status: criteria provided, single submitter. Criteria: ACMG Guidelines, 2015. Collection method: clinical testing. Allele origin: germline.

Mayo Clinic Laboratories, Mayo Clinic
Classification: Benign. Last evaluated: 2015-12-16. Review status: no assertion criteria provided. Collection method: clinical testing. Allele origin: unknown. Not counted in ClinVar's aggregate classification.